The following is an entry in ClinVar:

NM_000545.8(HNF1A):c.519G>A (p.Val173=)

Gene: HNF1A (HNF1 homeobox A; plus strand). Cytogenetic location: 12q24.31.
Variant type: single nucleotide variant.
Coding change: c.519G>A on transcript NM_000545.8 (MANE Select); coding-DNA position 519, G replaced by A.
Protein change: p.Val173=; no amino-acid change (valine 173 retained).
Molecular consequence: synonymous variant.
Genome position (GRCh38, 1-based): chr12:120,989,025, G>A. VCF-style: chr12-120989025-G-A. GRCh37 (hg19) VCF-style: chr12-121426828-G-A.
Other names: c.519G>A, p.Val173= (NM_001306179.2); c.519G>A (NM_000545.6).
Identifiers: ClinVar variation 668324 (VCV000668324.11), dbSNP rs534301078, ClinGen allele CA6831765.

ClinVar aggregate classification (germline): Benign/Likely benign. Review status: criteria provided, multiple submitters, no conflicts (2 of 4 stars). 7 submissions from 7 submitters: Benign (2); Likely benign (5). Last evaluated 2025-12-26.

Conditions:
Maturity-onset diabetes of the young (MODY). Also called: Maturity onset diabetes mellitus in young. Identifiers: Orphanet 552, MedGen C0342276, MONDO:0018911, HP:0004904.

Allele frequency attached by ClinVar (database versions not stated): gnomAD below 0.00001 and 0.00011; TOPMed 0.00003; gnomAD exomes 0.00017 and 0.00039; ExAC 0.00044; 1000 Genomes Project 30x 0.00047; 1000 Genomes Project 0.00060.
gnomAD v4.1: 271 of 1,614,154 alleles (0.017%); highest among the groups gnomAD compares: South Asian, 0.28%; 2 homozygotes.

Submissions (7):

Labcorp Genetics (formerly Invitae), Labcorp
Classification: Benign. Last evaluated: 2025-12-26. Review status: criteria provided, single submitter. Criteria: Invitae Variant Classification Sherloc (09022015). Collection method: clinical testing. Allele origin: germline.

ARUP Laboratories, Molecular Genetics and Genomics, ARUP Laboratories
Classification: Likely benign. Last evaluated: 2025-05-15. Review status: criteria provided, single submitter. Criteria: ARUP Molecular Germline Variant Investigation Process 2024. Collection method: clinical testing. Allele origin: germline.

Blueprint Genetics
Classification: Likely benign. Last evaluated: 2024-11-19. Review status: criteria provided, single submitter. Criteria: ACMG Guidelines, 2015. Collection method: clinical testing. Allele origin: germline.

Women's Health and Genetics/Laboratory Corporation of America, LabCorp
Classification: Benign. Last evaluated: 2023-09-12. Review status: criteria provided, single submitter. Criteria: LabCorp Variant Classification Summary - May 2015. Collection method: clinical testing. Allele origin: germline.

GeneDx
Classification: Likely benign. Last evaluated: 2020-02-17. Review status: criteria provided, single submitter. Criteria: GeneDx Variant Classification Process June 2021. Collection method: clinical testing. Allele origin: germline. Affected: yes.

Ambry Genetics
Classification: Likely benign for Maturity-onset diabetes of the young. Last evaluated: 2016-08-10. Review status: criteria provided, single submitter. Criteria: Ambry Variant Classification Scheme 2023. Collection method: clinical testing. Allele origin: germline.

Clinical Genomics, Uppaluri K&H Personalized Medicine Clinic
Classification: Likely benign for Maturity-onset diabetes of the young. Review status: criteria provided, single submitter. Criteria: K & H Uppaluri Personalized Medicine Clinic Variant Classification & Assertion Criteria_Updated V.1. Collection method: research. Allele origin: unknown. Inheritance: Autosomal dominant inheritance.
Comment: Mutations in HNF1A gene can predispose to MODY3. It is associated with both micro and macrovascular complications of diabetes, especially cardiovascular complications. Associated with glucosuria. May respond well to sulfonylureas. However, more evidence is required to confer the association of this particular variant rs534301078 with MODY3.

Literature cited by the submitters: PubMed 31517624 (cited by Clinical Genomics, Uppaluri K&H Personalized Medicine Clinic); PubMed 32395877 (cited by Clinical Genomics, Uppaluri K&H Personalized Medicine Clinic); PubMed 35328643 (cited by Clinical Genomics, Uppaluri K&H Personalized Medicine Clinic); PubMed 35673428 (cited by Clinical Genomics, Uppaluri K&H Personalized Medicine Clinic).